The following is an entry in ClinVar:

NM_182914.3(SYNE2):c.6908A>G (p.Asp2303Gly)

Gene: SYNE2 (spectrin repeat containing nuclear envelope protein 2; plus strand). Cytogenetic location: 14q23.2.
Variant type: single nucleotide variant.
Coding change: c.6908A>G on transcript NM_182914.3 (MANE Select); coding-DNA position 6908, A replaced by G.
Protein change: p.Asp2303Gly; replaces aspartic acid 2303 with glycine.
Molecular consequence: missense variant.
Genome position (GRCh38, 1-based): chr14:64,031,044, A>G. VCF-style: chr14-64031044-A-G. GRCh37 (hg19) VCF-style: chr14-64497762-A-G.
Other names: c.6908A>G, p.Asp2303Gly (NM_015180.6); short protein forms D2303G.
Identifiers: ClinVar variation 2110059 (VCV002110059.4), dbSNP rs772991813, ClinGen allele CA7220819.

ClinVar aggregate classification (germline): Uncertain significance (1 of 4 stars; one submission).

Conditions:
Emery-Dreifuss muscular dystrophy 5, autosomal dominant (EDMD5). Also called: EMERY-DREIFUSS MUSCULAR DYSTROPHY 5. Identifiers: Orphanet 261, MedGen C2751805, MONDO:0013072, OMIM 612999.

Allele frequency attached by ClinVar (database versions not stated): ExAC 0.00001; gnomAD exomes 0.00001.
gnomAD v4.1: 15 of 1,614,064 alleles (0.00093%); highest among the groups gnomAD compares: Admixed American, 0.023%; no homozygotes.

Submission:

Labcorp Genetics (formerly Invitae), Labcorp
Classification: Uncertain significance for Emery-Dreifuss muscular dystrophy 5, autosomal dominant. Last evaluated: 2022-10-10. Review status: criteria provided, single submitter. Criteria: Invitae Variant Classification Sherloc (09022015). Collection method: clinical testing. Allele origin: germline.
Comment: This variant is present in population databases (rs772991813, gnomAD 0.03%), and has an allele count higher than expected for a pathogenic variant. This sequence change replaces aspartic acid, which is acidic and polar, with glycine, which is neutral and non-polar, at codon 2303 of the SYNE2 protein (p.Asp2303Gly). This variant has not been reported in the literature in individuals affected with SYNE2-related conditions. In summary, the available evidence is currently insufficient to determine the role of this variant in disease. Therefore, it has been classified as a Variant of Uncertain Significance. Algorithms developed to predict the effect of sequence changes on RNA splicing suggest that this variant may create or strengthen a splice site. Algorithms developed to predict the effect of missense changes on protein structure and function output the following: SIFT: "Tolerated"; PolyPhen-2: "Benign"; Align-GVGD: "Class C0". The glycine amino acid residue is found in multiple mammalian species, which suggests that this missense change does not adversely affect protein function.